The following is an entry in ClinVar:

NC_000011.9:g.(?_63396791)_(63438807_?)dup

Gene: ATL3 (atlastin GTPase 3; minus strand). Cytogenetic location: 11q12.3-13.1.
Variant type: Duplication.
Identifiers: ClinVar variation 1447801 (VCV001447801.6).

ClinVar aggregate classification (germline): Uncertain significance (1 of 4 stars; one submission).

Conditions:
Neuropathy, hereditary sensory, type 1F. Also called: Hereditary sensory neuropathy type IF; HSN IF. Identifiers: Orphanet 36386, MedGen C3810194, MONDO:0014286, OMIM 615632.

Submission:

Labcorp Genetics (formerly Invitae), Labcorp
Classification: Uncertain significance for Neuropathy, hereditary sensory, type 1F. Last evaluated: 2021-04-27. Review status: criteria provided, single submitter. Criteria: Invitae Variant Classification Sherloc (09022015). Collection method: clinical testing. Allele origin: germline.
Comment: In summary, the available evidence is currently insufficient to determine the role of this variant in disease. Therefore, it has been classified as a Variant of Uncertain Significance. This variant has not been reported in the literature in individuals with ATL3-related conditions. This variant results in a copy number gain of the genomic region encompassing the full coding sequence of the ATL3 gene. The boundaries of this event are unknown as they extend beyond the assayed region for this gene and therefore may encompass additional genes. As the precise location of this event is unknown, it may be in tandem or it may be located elsewhere in the genome.